The following is an entry in ClinVar:

ClinVar aggregate classification (germline): Uncertain significance (1 of 4 stars; one submission).

Conditions:
Maple syrup urine disease, mild variant (MSUDMV). Identifiers: Orphanet 511, MedGen C3554575, MONDO:0014057, OMIM 615135.

Allele frequency attached by ClinVar (database versions not stated): gnomAD exomes below 0.00001; gnomAD 0.00001; TOPMed 0.00001; ExAC 0.00002; ESP Exome Variant Server 0.00008; 1000 Genomes Project 30x 0.00016; 1000 Genomes Project 0.00020.

Submission:

Labcorp Genetics (formerly Invitae), Labcorp
Classification: Uncertain significance for Maple syrup urine disease, mild variant. Last evaluated: 2022-03-13. Review status: criteria provided, single submitter. Criteria: Invitae Variant Classification Sherloc (09022015). Collection method: clinical testing. Allele origin: germline.
Comment: In summary, the available evidence is currently insufficient to determine the role of this variant in disease. Therefore, it has been classified as a Variant of Uncertain Significance. Algorithms developed to predict the effect of missense changes on protein structure and function are either unavailable or do not agree on the potential impact of this missense change (SIFT: "Deleterious"; PolyPhen-2: "Benign"; Align-GVGD: "Class C55"). This variant has not been reported in the literature in individuals affected with PPM1K-related conditions. This variant is present in population databases (rs376681140, gnomAD 0.01%). This sequence change replaces alanine, which is neutral and non-polar, with valine, which is neutral and non-polar, at codon 181 of the PPM1K protein (p.Ala181Val).

NM_152542.5(PPM1K):c.542C>T (p.Ala181Val)

Gene: PPM1K (protein phosphatase, Mg2+/Mn2+ dependent 1K; minus strand). Cytogenetic location: 4q22.1.
Variant type: single nucleotide variant.
Coding change: c.542C>T on transcript NM_152542.5 (MANE Select); coding-DNA position 542, C replaced by T.
Protein change: p.Ala181Val; replaces alanine 181 with valine.
Molecular consequence: missense variant.
Genome position (GRCh38, 1-based): chr4:88,268,906, G>A on the plus strand (C>T on the coding strand, the complement: PPM1K is on the minus strand). VCF-style: chr4-88268906-G-A. GRCh37 (hg19) VCF-style: chr4-89190058-G-A.
Other names: short protein forms A181V.
Identifiers: ClinVar variation 2111001 (VCV002111001.4), dbSNP rs376681140, ClinGen allele CA3005208.